The following is an entry in ClinVar:

ClinVar aggregate classification (germline): Pathogenic (1 of 4 stars; one submission).

Conditions:
Fanconi anemia (FA). Also called: Fanconi's anemia. Identifiers: Orphanet 84, MedGen C0015625, MeSH D005199, MONDO:0019391.

Submission:

Labcorp Genetics (formerly Invitae), Labcorp
Classification: Pathogenic for Fanconi anemia. Last evaluated: 2022-04-08. Review status: criteria provided, single submitter. Criteria: Invitae Variant Classification Sherloc (09022015). Collection method: clinical testing. Allele origin: germline.
Comment: This variant is a gross deletion of the genomic region encompassing exon(s) 12-14 of the FANCA gene. This deletion is out-of-frame, and is expected to create a premature termination codon and result in an absent or disrupted protein product. Loss-of-function variants in FANCA are known to be pathogenic (PMID: 19367192). This variant has not been reported in the literature in individuals affected with FANCA-related conditions. For these reasons, this variant has been classified as Pathogenic.

Literature cited by the submitters: PubMed 19367192.

NC_000016.9:g.(?_89857801)_(89858965_?)del

Gene: FANCA (FA complementation group A; minus strand). Cytogenetic location: 16q24.3.
Variant type: Deletion.
Identifiers: ClinVar variation 1075212 (VCV001075212.5).